The following is an entry in ClinVar:

NM_000426.4(LAMA2):c.6266_6267insGGATCTTACTTCCAAAAG (p.Asn2089delinsLysAspLeuThrSerLysSer)

Genes: LAMA2 (laminin subunit alpha 2; plus strand), LOC123864065 (Sharpr-MPRA regulatory region 661; plus strand). Cytogenetic location: 6q22.33.
Variant type: Insertion.
Coding change: c.6266_6267insGGATCTTACTTCCAAAAG on transcript NM_000426.4 (MANE Select); coding-DNA positions 6266 to 6267, GGATCTTACTTCCAAAAG inserted.
Protein change: p.Asn2089delinsLysAspLeuThrSerLysSer.
Molecular consequence: inframe indel.
Genome position: GRCh38 VCF-style: chr6-129440996-A-AGGATCTTACTTCCAAAAG. GRCh37 (hg19) VCF-style: chr6-129762141-A-AGGATCTTACTTCCAAAAG.
Other names: c.6266_6267insGGATCTTACTTCCAAAAG, p.Asn2089delinsLysAspLeuThrSerLysSer (NM_001079823.2).
Identifiers: ClinVar variation 1357711 (VCV001357711.8), dbSNP rs2114765909, ClinGen allele CA2573140482.

ClinVar aggregate classification (germline): Uncertain significance (1 of 4 stars; one submission).

Conditions:
LAMA2-related muscular dystrophy (LAMA2-RD). Also called: Laminin alpha 2-related dystrophy. Identifiers: MedGen C5679788, MONDO:0100228.

Submission:

Labcorp Genetics (formerly Invitae), Labcorp
Classification: Uncertain significance for LAMA2-related muscular dystrophy. Last evaluated: 2021-05-31. Review status: criteria provided, single submitter. Criteria: Invitae Variant Classification Sherloc (09022015). Collection method: clinical testing. Allele origin: germline.
Comment: This variant has not been reported in the literature in individuals with LAMA2-related conditions. This variant is not present in population databases (ExAC no frequency). This variant, c.6267delins19, is a complex sequence change that results in the deletion of 1 and insertion of 7 amino acid(s) in the LAMA2 protein (p.Asn2089delins7). Experimental studies and prediction algorithms are not available or were not evaluated, and the functional significance of this variant is currently unknown. Algorithms developed to predict the effect of sequence changes on RNA splicing suggest that this variant may disrupt the consensus splice site, but this prediction has not been confirmed by published transcriptional studies. In summary, the available evidence is currently insufficient to determine the role of this variant in disease. Therefore, it has been classified as a Variant of Uncertain Significance.